The following is an entry in ClinVar:

NM_018122.5(DARS2):c.748C>G (p.Leu250Val)

Gene: DARS2 (aspartyl-tRNA synthetase 2, mitochondrial; plus strand). Cytogenetic location: 1q25.1.
Variant type: single nucleotide variant.
Coding change: c.748C>G on transcript NM_018122.5 (MANE Select); coding-DNA position 748, C replaced by G.
Protein change: p.Leu250Val; replaces leucine 250 with valine.
Molecular consequence: missense variant.
Genome position (GRCh38, 1-based): chr1:173,837,024, C>G. VCF-style: chr1-173837024-C-G. GRCh37 (hg19) VCF-style: chr1-173806162-C-G.
Other names: NM_001365213.2:c.748C>G; c.748C>G, p.Leu250Val (NM_001365212.1, NM_001365213.2); short protein forms L250V.
Identifiers: ClinVar variation 3776818 (VCV003776818.1).

ClinVar aggregate classification (germline): Uncertain significance (1 of 4 stars; one submission).

Conditions:
Leukoencephalopathy with brain stem and spinal cord involvement-high lactate syndrome (LBSL). Also called: Leukoencephalopathy with Brainstem and Spinal Cord Involvement and Lactate Elevation; MITOCHONDRIAL ASPARTYL-tRNA SYNTHETASE DEFICIENCY; LEUKOENCEPHALOPATHY WITH BRAINSTEM AND SPINAL CORD INVOLVEMENT AND LACTATE ELEVATION, MILD. Identifiers: Orphanet 137898, MedGen C1970180, MONDO:0012622, OMIM 611105.

gnomAD v4.1: 9 of 1,613,726 alleles (0.00056%); highest among the groups gnomAD compares: Non-Finnish European, 0.00076%; no homozygotes.

Submission:

Broad Center for Mendelian Genomics, Broad Institute of MIT and Harvard
Classification: Uncertain significance for Leukoencephalopathy with brain stem and spinal cord involvement-high lactate syndrome. Last evaluated: 2025-01-21. Review status: criteria provided, single submitter. Criteria: ACMG Guidelines, 2015. Collection method: curation. Allele origin: germline. Inheritance: Autosomal recessive inheritance.
Comment: The p.Leu250Val variant in DARS2 has been reported in 1 individual with leukoencephalopathy with brain stem and spinal cord involvement-high lactate syndrome (PMID: 33977142), and has been identified in 0.0008% (9/1179914) of European (non-Finnish) chromosomes by the Genome Aggregation Database (gnomAD; dbSNP rs1024219171). Although this variant has been seen in the general population in a heterozygous state, its frequency is low enough to be consistent with a recessive carrier frequency. In vitro functional studies provide some evidence that the p.Leu250Val variant may slightly impact protein function (PMID: 33977142). However, these types of assays may not accurately represent biological function. Computational prediction tools and conservation analyses suggest that this variant may impact the protein, though this information is not predictive enough to determine pathogenicity. In summary, while there is some suspicion for a pathogenic role, the clinical significance of this variant is uncertain. ACMG/AMP Criteria applied: PP3_moderate, PM2_supporting, PS3_supporting (Richards 2015).